The following is an entry in ClinVar:

ClinVar aggregate classification (germline): Uncertain significance (1 of 4 stars; one submission).

Conditions:
Leigh syndrome (NULS). Also called: Leigh's necrotizing encephalopathy; Leigh's disease; Leigh Syndrome (mtDNA deletion); Leigh Disease; Subacute necrotizing encephalopathy; Necrotizing encephalopathy infantile subacute of Leigh. Identifiers: Orphanet 506, MedGen C2931891, MONDO:0009723, OMIM 256000.

Submission:

Wong Mito Lab, Molecular and Human Genetics, Baylor College of Medicine
Classification: Uncertain significance for Leigh syndrome. Last evaluated: 2019-10-17. Review status: criteria provided, single submitter. Criteria: Modified ACMG Guidelines (Unpublished). Collection method: clinical testing. Allele origin: germline.
Comment: The NC_012920.1:m.4789G>A (YP_003024027.1:p.Gly107Glu) variant in MTND2 gene is interpretated to be a Uncertain Significance variant based on the modified ACMG guidelines (unpublished). This variant meets the following evidence codes: PP6, PP7, BP6

NC_012920.1(MT-ND2):m.4789G>A

Gene: MT-ND2 (mitochondrially encoded NADH dehydrogenase 2; plus strand).
Variant type: single nucleotide variant.
Genome position: chrM-4789-G-A.
Identifiers: ClinVar variation 692507 (VCV000692507.1), dbSNP rs1603219628, ClinGen allele CA414775788.
Genomic context (GRCh38, chrMT:4,789, plus strand): 5'-CCAATACTACCAATCAATACTCATCATTAATAATCATAATAGCTATAGCAATAAAACTAG[G>A]AATAGCCCCCTTTCACTTCTGAGTCCCAGAGGTTACCCAAGGCACCCCTCTGACATCCGG-3'